The following is an entry in ClinVar:

NM_015910.7(WDPCP):c.1156C>T (p.His386Tyr)

Gene: WDPCP (WD repeat containing planar cell polarity effector; minus strand). Cytogenetic location: 2p15.
Variant type: single nucleotide variant.
Coding change: c.1156C>T on transcript NM_015910.7 (MANE Select); coding-DNA position 1156, C replaced by T.
Protein change: p.His386Tyr; replaces histidine 386 with tyrosine.
Molecular consequence: missense variant. On other transcripts: non-coding transcript variant (3).
Genome position (GRCh38, 1-based): chr2:63,404,327, G>A on the plus strand (C>T on the coding strand, the complement: WDPCP is on the minus strand). VCF-style: chr2-63404327-G-A. GRCh37 (hg19) VCF-style: chr2-63631462-G-A.
Other names: c.679C>T, p.His227Tyr (NM_001042692.3); c.1084C>T, p.His362Tyr (NM_001354044.2); c.1156C>T, p.His386Tyr (NM_001354045.2); short protein forms H227Y, H386Y, H362Y.
Identifiers: ClinVar variation 2106262 (VCV002106262.4), dbSNP rs2466513121, ClinGen allele CA347065022.

ClinVar aggregate classification (germline): Uncertain significance (1 of 4 stars; one submission).

Conditions:
Bardet-Biedl syndrome (BBS). Identifiers: Orphanet 110, MedGen C0752166, MONDO:0015229.

Allele frequency attached by ClinVar (database versions not stated): gnomAD exomes below 0.00001.
gnomAD v4.1: 2 of 1,614,118 alleles (0.00012%); highest among the groups gnomAD compares: Non-Finnish European, 0.00017%; no homozygotes.

Submission:

Labcorp Genetics (formerly Invitae), Labcorp
Classification: Uncertain significance for Bardet-Biedl syndrome. Last evaluated: 2022-03-04. Review status: criteria provided, single submitter. Criteria: Invitae Variant Classification Sherloc (09022015). Collection method: clinical testing. Allele origin: germline.
Comment: This variant is not present in population databases (gnomAD no frequency). This sequence change replaces histidine, which is basic and polar, with tyrosine, which is neutral and polar, at codon 386 of the WDPCP protein (p.His386Tyr). This variant has not been reported in the literature in individuals affected with WDPCP-related conditions. Algorithms developed to predict the effect of missense changes on protein structure and function (SIFT, PolyPhen-2, Align-GVGD) all suggest that this variant is likely to be disruptive. In summary, the available evidence is currently insufficient to determine the role of this variant in disease. Therefore, it has been classified as a Variant of Uncertain Significance.